The following is an entry in ClinVar:

ClinVar aggregate classification (germline): Likely benign. Review status: criteria provided, multiple submitters, no conflicts (2 of 4 stars). 2 submissions from 2 submitters: Likely benign (2). Last evaluated 2025-01-23.

Conditions:
Multiple endocrine neoplasia, type 1 (MEN1). Also called: MEA I; MEN I; Endocrine adenomatosis multiple; MEN 1; WERMER SYNDROME. Identifiers: Orphanet 652, MedGen C0025267, MeSH D018761, MONDO:0007540, OMIM 131100.

gnomAD v4.1: 1 of 1,596,676 alleles (0.000063%); highest among the groups gnomAD compares: Non-Finnish European, 0.000085%; no homozygotes.

Submissions (2):

Labcorp Genetics (formerly Invitae), Labcorp
Classification: Likely benign for Multiple endocrine neoplasia, type 1. Last evaluated: 2025-01-23. Review status: criteria provided, single submitter. Criteria: Invitae Variant Classification Sherloc (09022015). Collection method: clinical testing. Allele origin: germline.

Myriad Genetics, Inc.
Classification: Likely benign for Multiple endocrine neoplasia, type 1. Last evaluated: 2024-11-05. Review status: criteria provided, single submitter. Criteria: Myriad Autosomal Dominant, Autosomal Recessive and X-Linked Classification Criteria (2023). Collection method: clinical testing. Allele origin: unknown.
Comment: This variant is considered likely benign. This variant is intronic and is not expected to impact mRNA splicing.

NM_001370259.2(MEN1):c.1351-16C>T

Gene: MEN1 (menin 1; minus strand). Cytogenetic location: 11q13.1.
Variant type: single nucleotide variant.
Coding change: c.1351-16C>T on transcript NM_001370259.2 (MANE Select); 16 bases into the intron before coding-DNA position 1351, C replaced by T.
Molecular consequence: intron variant.
Genome position (GRCh38, 1-based): chr11:64,804,832, G>A on the plus strand (C>T on the coding strand, the complement: MEN1 is on the minus strand). VCF-style: chr11-64804832-G-A. GRCh37 (hg19) VCF-style: chr11-64572304-G-A.
Other names: c.1366-16C>T (NM_130804.3, NM_130803.3, NM_000244.4 and 3 more transcripts); c.1351-16C>T (NM_130799.3, NM_001370260.2, NM_001370261.2); c.1477-16C>T (NM_001370251.2); c.1246-16C>T (NM_001370263.2, NM_001370262.2).
Identifiers: ClinVar variation 1594543 (VCV001594543.9), dbSNP rs766052368, ClinGen allele CA223912186.